The following is an entry in ClinVar:

NM_000080.4(CHRNE):c.794C>T (p.Pro265Leu)

Genes: C17orf107 (chromosome 17 open reading frame 107; plus strand), CHRNE (cholinergic receptor nicotinic epsilon subunit; minus strand). Cytogenetic location: 17p13.2.
Variant type: single nucleotide variant.
Coding change: c.794C>T on transcript NM_000080.4 (MANE Select); coding-DNA position 794, C replaced by T.
Protein change: p.Pro265Leu; replaces proline 265 with leucine.
Molecular consequence: missense variant. On other transcripts: 3 prime UTR variant (1).
Genome position (GRCh38, 1-based): chr17:4,900,998, G>A on the plus strand (C>T on the coding strand, the complement: CHRNE is on the minus strand). VCF-style: chr17-4900998-G-A. GRCh37 (hg19) VCF-style: chr17-4804293-G-A.
Other names: p.Pro265Leu; c.*465G>A (NM_001145536.2); short protein forms P265L.
Identifiers: ClinVar variation 381628 (VCV000381628.23), dbSNP rs759226183, ClinGen allele CA8314264.

ClinVar aggregate classification (germline): Pathogenic/Likely pathogenic. Review status: criteria provided, multiple submitters, no conflicts (2 of 4 stars). 11 submissions from 11 submitters: Pathogenic (3); Likely pathogenic (8). Last evaluated 2026-08-24.

Conditions:
Congenital myasthenic syndrome 4A. Also called: Myasthenic syndrome, congenital, 4a, slow-channel; CONGENITAL MYASTHENIC SYNDROME TYPE Ia1; MYASTHENIC SYNDROME, CONGENITAL, 4A, SLOW-CHANNEL, AUTOSOMAL RECESSIVE. Identifiers: Orphanet 590, MedGen C4225413, MONDO:0011600, OMIM 605809.
Congenital myasthenic syndrome 4C (CMS4C). Also called: Myasthenic syndrome, congenital, associated with acetylcholine receptor deficiency. Identifiers: Orphanet 590, MedGen C1837091, MONDO:0012157, OMIM 608931.
Congenital myasthenic syndrome 4B. Also called: Myasthenic syndrome, congenital, 4b, fast-channel. Identifiers: Orphanet 590, MedGen C4225369, MONDO:0014586, OMIM 616324.
CHRNE-related disorder. Also called: CHRNE-related condition.
Inborn genetic diseases. Identifiers: MedGen C0950123, MeSH D030342.
Congenital myasthenic syndrome (CMS). Also called: Congenital Myasthenic Syndromes. Identifiers: Orphanet 590, MedGen C0751882, MeSH D020294, MONDO:0018940.

Allele frequency attached by ClinVar (database versions not stated): ExAC 0.00001.
gnomAD v4.1: 50 of 1,613,892 alleles (0.0031%); highest among the groups gnomAD compares: Admixed American, 0.0067%; no homozygotes.

Submissions (11):

Myriad Genetics, Inc.
Classification: Likely pathogenic for Congenital myasthenic syndrome. Last evaluated: 2026-08-24. Review status: criteria provided, single submitter. Criteria: Myriad Autosomal Dominant, Autosomal Recessive and X-Linked Classification Criteria (2023). Collection method: clinical testing. Allele origin: unknown.
Comment: NM_000080.3(CHRNE):c.794C>T(P265L) is a missense variant classified as likely pathogenic in the context of congenital myasthenic syndrome, CHRNE-related. P265L has been observed in cases with relevant disease (PMID: 9158150, 16061559, 22678886, 21940170). Relevant functional assessments of this variant are available in the literature (PMID: 9158150). P265L has been observed in referenced population frequency databases. In summary, NM_000080.3(CHRNE):c.794C>T(P265L) is a missense variant that has been observed more frequently in cases with the relevant disease than in healthy populations. Please note: this variant was assessed in the context of healthy population screening.

GeneDx
Classification: Likely pathogenic. Last evaluated: 2026-08-16. Review status: criteria provided, single submitter. Criteria: GeneDx Variant Classification Process June 2021. Collection method: clinical testing. Allele origin: germline.
Comment: Published functional studies demonstrate a damaging effect, as kinetic analysis showed P265L prolongs burst open duration 2-fold by slowing the rate of channel closing (PMID: 9158150); In silico analysis supports that this missense variant has a deleterious effect on protein structure/function; This variant is associated with the following publications: (PMID: 32721234, 34426522, 31589614, 9158150, 39595115)

Ambry Genetics
Classification: Pathogenic for Inborn genetic diseases. Last evaluated: 2026-03-11. Review status: criteria provided, single submitter. Criteria: Ambry Variant Classification Scheme 2023. Collection method: clinical testing. Allele origin: germline.
Comment: The c.794C>T (p.P265L) alteration is located in exon 7 (coding exon 7) of the CHRNE gene. This alteration results from a C to T substitution at nucleotide position 794, causing the proline (P) at amino acid position 265 to be replaced by a leucine (L). for autosomal recessive CHRNE-related congenital myasthenic syndrome; however, its clinical significance for autosomal dominant CHRNE-related congenital myasthenic syndrome is uncertain. Based on data from gnomAD, the T allele has an overall frequency of 0.002% (4/250142) total alleles studied. The highest observed frequency was 0.009% (3/34590) of Latino alleles. This variant, also referred to as c.734C>T p.(P245L) in the literature, has been identified in the homozygous state and/or in conjunction with other CHRNE variant(s) in individual(s) with features consistent with CHRNE-related congenital myasthenic syndrome; in at least one instance, the variants were identified in trans (Ohno, 1997; Ohno, 2005; Palace, 2012). Based on the available evidence, this alteration is classified as pathogenic.

Labcorp Genetics (formerly Invitae), Labcorp
Classification: Pathogenic for Congenital myasthenic syndrome 4A. Last evaluated: 2026-01-16. Review status: criteria provided, single submitter. Criteria: Invitae Variant Classification Sherloc (09022015). Collection method: clinical testing. Allele origin: germline.
Comment: This sequence change replaces proline, which is neutral and non-polar, with leucine, which is neutral and non-polar, at codon 265 of the CHRNE protein (p.Pro265Leu). This variant is present in population databases (rs759226183, gnomAD 0.009%). This missense change has been observed in individual(s) with autosomal recessive congenital myasthenic syndrome (PMID: 9158150; internal data). In at least one individual the data is consistent with being in trans (on the opposite chromosome) from a pathogenic variant. It has also been observed to segregate with disease in related individuals. This variant is also known as epsilonP245L. ClinVar contains an entry for this variant (Variation ID: 381628). Invitae Evidence Modeling of protein sequence and biophysical properties (such as structural, functional, and spatial information, amino acid conservation, physicochemical variation, residue mobility, and thermodynamic stability) indicates that this missense variant is expected to disrupt CHRNE protein function with a positive predictive value of 95%. Experimental studies have shown that this missense change affects CHRNE function (PMID: 9158150). For these reasons, this variant has been classified as Pathogenic.

Natera, Inc.
Classification: Pathogenic for Congenital myasthenic syndrome. Last evaluated: 2025-07-20. Review status: criteria provided, single submitter. Criteria: Natera Variant Classification Schema (03/2026). Collection method: clinical testing. Allele origin: germline.
Comment: The c.794C>T variant in CHRNE is a missense variant predicted to cause substitution of proline to leucine at amino acid 265. This variant is rare in the general population with a frequency below the threshold expected for the associated phenotype(s). This variant has been observed in one or more individuals affected with the associated recessive disease, as either homozygous or compound heterozygous with a second variant (PMID: 21940170, 9158150, 16061559). Additionally, this variant has been observed to segregate in affected family members (PMID: 9158150). Functional studies show that this variant may disrupt protein function (PMID: 9158150). Computational prediction algorithms indicate this variant is likely to affect gene or protein function. Given the available evidence, this variant is classified as Pathogenic.

Baylor Genetics
Classification: Likely pathogenic for Congenital myasthenic syndrome 4A. Last evaluated: 2024-03-12. Review status: criteria provided, single submitter. Criteria: ACMG Guidelines, 2015. Collection method: clinical testing. Allele origin: unknown.

Blueprint Genetics
Classification: Likely pathogenic for CHRNE-related disorders. Last evaluated: 2023-05-26. Review status: criteria provided, single submitter. Criteria: ACMG Guidelines, 2015. Collection method: clinical testing. Allele origin: germline. Affected: yes. Observed: 2 variant alleles.

Athena Diagnostics
Classification: Likely pathogenic. Last evaluated: 2022-11-21. Review status: criteria provided, single submitter. Criteria: Athena Diagnostics Criteria. Collection method: clinical testing. Allele origin: unknown.
Comment: The frequency of this variant in the general population is consistent with pathogenicity. This variant appears to segregate with autosomal recessive congenital myasthenic syndrome in at least one family, however, the available information does not rule out segregation due to chance. In some published literature, this variant is referred to as c.734C>T (p.P245L). Computational tools predict that this variant is damaging.

Mayo Clinic Laboratories, Mayo Clinic
Classification: Likely pathogenic. Last evaluated: 2022-06-30. Review status: criteria provided, single submitter. Criteria: ACMG Guidelines, 2015. Collection method: clinical testing. Allele origin: germline. Observed: 1 variant allele.
Comment: PP1, PP3, PM2, PM3, PS3_moderate

Fulgent Genetics
Classification: Likely pathogenic for Congenital myasthenic syndrome 4A; Congenital myasthenic syndrome 4C; Congenital myasthenic syndrome 4B. Last evaluated: 2022-03-03. Review status: criteria provided, single submitter. Criteria: ACMG Guidelines, 2015. Collection method: clinical testing. Allele origin: unknown.

AiLife Diagnostics
Classification: Likely pathogenic. Last evaluated: 2021-08-13. Review status: criteria provided, single submitter. Criteria: ACMG Guidelines, 2015. Collection method: clinical testing. Allele origin: germline. Affected: yes. Observed: 1 variant allele.

Literature cited by the submitters: PubMed 16061559 (cited by 4 submitters); PubMed 21940170 (cited by 4 submitters); PubMed 22678886 (cited by Myriad Genetics, Inc.); PubMed 9158150 (cited by 7 submitters); PubMed 30931400 (cited by Athena Diagnostics); PubMed 32721234 (cited by Athena Diagnostics and Mayo Clinic Laboratories, Mayo Clinic); PubMed 31589614 (cited by Mayo Clinic Laboratories, Mayo Clinic).